The following is an entry in ClinVar:

NM_001999.4(FBN2):c.2777C>A (p.Ala926Asp)

Gene: FBN2 (fibrillin 2; minus strand). Cytogenetic location: 5q23.3.
Variant type: single nucleotide variant.
Coding change: c.2777C>A on transcript NM_001999.4 (MANE Select); coding-DNA position 2777, C replaced by A.
Protein change: p.Ala926Asp; replaces alanine 926 with aspartic acid.
Molecular consequence: missense variant.
Genome position (GRCh38, 1-based): chr5:128,350,903, G>T on the plus strand (C>A on the coding strand, the complement: FBN2 is on the minus strand). VCF-style: chr5-128350903-G-T. GRCh37 (hg19) VCF-style: chr5-127686595-G-T.
Other names: short protein forms A926D.
Identifiers: ClinVar variation 263934 (VCV000263934.16), dbSNP rs138429045, ClinGen allele CA10587613.

ClinVar aggregate classification (germline): Conflicting classifications of pathogenicity. Review status: criteria provided, conflicting classifications (1 of 4 stars). 4 submissions from 4 submitters: Uncertain significance (1); Likely benign (2). 1 of the submissions does not count toward it. Last evaluated 2024-07-22.

Conditions:
Connective tissue disorder. Also called: Connective tissue disease. Identifiers: MedGen C0009782, MONDO:0003900.
Familial thoracic aortic aneurysm and aortic dissection (TAAD). Also called: Thoracic aortic aneurysms and dissections. Identifiers: Orphanet 91387, MedGen C4707243, MONDO:0019625.
FBN2-related disorder. Also called: FBN2-related condition.
Congenital contractural arachnodactyly (CCA). Also called: BEALS SYNDROME; Beals-Hecht syndrome; Arthrogryposis, distal, type 9. Identifiers: Orphanet 115, MedGen C0220668, MONDO:0007363, OMIM 121050.

Allele frequency attached by ClinVar (database versions not stated): gnomAD 0.00001; gnomAD exomes 0.00001; TOPMed 0.00001; ESP Exome Variant Server 0.00008.
gnomAD v4.1: 73 of 1,614,032 alleles (0.0045%); highest among the groups gnomAD compares: Non-Finnish European, 0.0058%; no homozygotes.

Submissions (4):

Ambry Genetics
Classification: Uncertain significance for Familial thoracic aortic aneurysm and aortic dissection. Last evaluated: 2024-07-22. Review status: criteria provided, single submitter. Criteria: Ambry Variant Classification Scheme 2023. Collection method: clinical testing. Allele origin: germline.
Comment: The p.A926D variant (also known as c.2777C>A), located in coding exon 21 of the FBN2 gene, results from a C to A substitution at nucleotide position 2777. The alanine at codon 926 is replaced by aspartic acid, an amino acid with dissimilar properties. This amino acid position is not well conserved in available vertebrate species. In addition, the in silico prediction for this alteration is inconclusive. Since supporting evidence is limited at this time, the clinical significance of this alteration remains unclear.

Labcorp Genetics (formerly Invitae), Labcorp
Classification: Likely benign for Congenital contractural arachnodactyly. Last evaluated: 2023-11-19. Review status: criteria provided, single submitter. Criteria: Invitae Variant Classification Sherloc (09022015). Collection method: clinical testing. Allele origin: germline.

Center for Human Genetics, Inc
Classification: Likely benign for Connective tissue disorder. Last evaluated: 2016-11-01. Review status: criteria provided, single submitter. Criteria: ACMG Guidelines, 2015. Collection method: clinical testing. Allele origin: germline. Affected: yes.

PreventionGenetics, part of Exact Sciences
Classification: Uncertain significance for FBN2-related condition. Last evaluated: 2024-06-22. Review status: no assertion criteria provided. Collection method: clinical testing. Allele origin: germline. Not counted in ClinVar's aggregate classification.
Comment: The FBN2 c.2777C>A variant is predicted to result in the amino acid substitution p.Ala926Asp. To our knowledge, this variant has not been reported in the literature. This variant is reported in 0.0080% of alleles in individuals of African descent in gnomAD. At this time, the clinical significance of this variant is uncertain due to the absence of conclusive functional and genetic evidence.